The following is an entry in ClinVar:

NM_182961.4(SYNE1):c.6428A>G (p.Asp2143Gly)

Gene: SYNE1 (spectrin repeat containing nuclear envelope protein 1; minus strand). Cytogenetic location: 6q25.2.
Variant type: single nucleotide variant.
Coding change: c.6428A>G on transcript NM_182961.4 (MANE Select); coding-DNA position 6428, A replaced by G.
Protein change: p.Asp2143Gly; replaces aspartic acid 2143 with glycine.
Molecular consequence: missense variant.
Genome position (GRCh38, 1-based): chr6:152,409,180, T>C on the plus strand (A>G on the coding strand, the complement: SYNE1 is on the minus strand). VCF-style: chr6-152409180-T-C. GRCh37 (hg19) VCF-style: chr6-152730315-T-C.
Other names: c.6449A>G, p.Asp2150Gly (NM_033071.5); short protein forms D2143G, D2150G.
Identifiers: ClinVar variation 290330 (VCV000290330.19), dbSNP rs189734757, ClinGen allele CA4058069.

ClinVar aggregate classification (germline): Uncertain significance. Review status: criteria provided, multiple submitters, no conflicts (2 of 4 stars). 5 submissions from 5 submitters: Uncertain significance (5). Last evaluated 2026-09-30.

Conditions:
Autosomal recessive ataxia, Beauce type. Also called: Spinocerebellar ataxia, autosomal recessive 8; ATAXIA, RECESSIVE, OF BEAUCE; SYNE1-Related Autosomal Recessive Cerebellar Ataxia; SYNE1 Deficiency. Identifiers: Orphanet 88644, MedGen C1853116, MONDO:0012549, OMIM 610743.
Emery-Dreifuss muscular dystrophy 4, autosomal dominant (EDMD4). Also called: EMERY-DREIFUSS MUSCULAR DYSTROPHY 4 WITH VARIABLE FEATURES. Identifiers: Orphanet 261, MedGen C2751807, MONDO:0013071, OMIM 612998.

Allele frequency attached by ClinVar (database versions not stated): gnomAD exomes 0.00006 and 0.00004; gnomAD 0.00022; 1000 Genomes Project 0.00060; ExAC 0.00006; TOPMed 0.00028; 1000 Genomes Project 30x 0.00062.
gnomAD v4.1: 91 of 1,614,198 alleles (0.0056%); highest among the groups gnomAD compares: African/African-American, 0.11%; no homozygotes.

Submissions (5):

GeneDx
Classification: Uncertain significance. Last evaluated: 2026-09-30. Review status: criteria provided, single submitter. Criteria: GeneDx Variant Classification Process June 2021. Collection method: clinical testing. Allele origin: germline.
Comment: In silico analysis supports that this missense variant has a deleterious effect on protein structure/function; Has not been previously published as pathogenic or benign to our knowledge

Labcorp Genetics (formerly Invitae), Labcorp
Classification: Uncertain significance for Emery-Dreifuss muscular dystrophy 4, autosomal dominant; Autosomal recessive ataxia, Beauce type. Last evaluated: 2025-07-14. Review status: criteria provided, single submitter. Criteria: Invitae Variant Classification Sherloc (09022015). Collection method: clinical testing. Allele origin: germline.
Comment: This sequence change replaces aspartic acid, which is acidic and polar, with glycine, which is neutral and non-polar, at codon 2150 of the SYNE1 protein (p.Asp2150Gly). This variant is present in population databases (rs189734757, gnomAD 0.08%). This variant has not been reported in the literature in individuals affected with SYNE1-related conditions. ClinVar contains an entry for this variant (Variation ID: 290330). An algorithm developed to predict the effect of missense changes on protein structure and function (PolyPhen-2) suggests that this variant is likely to be disruptive. In summary, the available evidence is currently insufficient to determine the role of this variant in disease. Therefore, it has been classified as a Variant of Uncertain Significance.

Athena Diagnostics
Classification: Uncertain significance. Last evaluated: 2024-05-22. Review status: criteria provided, single submitter. Criteria: Athena Diagnostics Criteria. Collection method: clinical testing. Allele origin: unknown.
Comment: Available data are insufficient to determine the clinical significance of the variant at this time. The frequency of this variant in the general population is higher than would generally be expected for pathogenic variants in this gene. Computational tools yielded predictions that this variant may result in the gain of a cryptic splice site without affecting the natural splice sites. Polyphen and MutationTaster yielded discordant predictions regarding whether this amino acid change is damaging to the protein.

Revvity Omics, Revvity
Classification: Uncertain significance. Last evaluated: 2022-10-28. Review status: criteria provided, single submitter. Criteria: ACMG Guidelines, 2015. Collection method: clinical testing. Allele origin: germline.

Eurofins Ntd Llc (ga)
Classification: Uncertain significance. Last evaluated: 2016-09-14. Review status: criteria provided, single submitter. Criteria: EGL Classification Definitions 2015. Collection method: clinical testing. Allele origin: germline. Observed: 1 variant allele, 1 heterozygote.